The following is an entry in ClinVar:

NM_001114753.3(ENG):c.686_689del (p.Ala229fs)

Gene: ENG (endoglin; minus strand). Cytogenetic location: 9q34.11.
Variant type: Deletion.
Coding change: c.686_689del on transcript NM_001114753.3 (MANE Select); coding-DNA positions 686 to 689, 4 bases deleted (CCGG; older notation c.686_689delCCGG).
Protein change: p.Ala229fs; shifts the reading frame from alanine 229.
Molecular consequence: frameshift variant.
Genome position (GRCh38, 1-based): chr9:127,825,695-127,825,698, CCGG deleted on the plus strand (CCGG on the coding strand, the reverse complement: ENG is on the minus strand); deleting any 4 consecutive bases within chr9:127,825,695-127,825,701 gives the same sequence; the c. name uses the placement nearest the transcript's 3' end. VCF-style (leftmost placement, unchanged base first): chr9-127825694-CCCGG-C. GRCh37 (hg19) VCF-style: chr9-130587973-CCCGG-C.
Other names: c.686_689del, p.Ala229fs (NM_000118.4, NM_001406715.1); c.140_143del, p.Ala47fs (NM_001278138.2); short protein forms A229fs, A47fs.
Identifiers: ClinVar variation 3659243 (VCV003659243.2).

ClinVar aggregate classification (germline): Pathogenic (1 of 4 stars; one submission).

Conditions:
Hereditary hemorrhagic telangiectasia (HHT). Also called: ORW DISEASE; Osler Weber Rendu syndrome; OSLER-RENDU-WEBER DISEASE; Osler hemorrhagic telangiectasia syndrome. Identifiers: Orphanet 774, MedGen C0039445, MONDO:0019180. Disease mechanism: loss of function.

Submission:

Labcorp Genetics (formerly Invitae), Labcorp
Classification: Pathogenic for Hereditary hemorrhagic telangiectasia. Last evaluated: 2024-07-11. Review status: criteria provided, single submitter. Criteria: Invitae Variant Classification Sherloc (09022015). Collection method: clinical testing. Allele origin: germline.
Comment: This sequence change creates a premature translational stop signal (p.Ala229Glyfs*5) in the ENG gene. It is expected to result in an absent or disrupted protein product. Loss-of-function variants in ENG are known to be pathogenic (PMID: 15879500). This variant is not present in population databases (gnomAD no frequency). This variant has not been reported in the literature in individuals affected with ENG-related conditions. Algorithms developed to predict the effect of sequence changes on RNA splicing suggest that this variant may disrupt the consensus splice site. For these reasons, this variant has been classified as Pathogenic.

Literature cited by the submitters: PubMed 15879500.